The following is an entry in ClinVar:

ClinVar aggregate classification (germline): Likely pathogenic (1 of 4 stars; one submission).

Submission:

Labcorp Genetics (formerly Invitae), Labcorp
Classification: Likely pathogenic. Last evaluated: 2019-07-30. Review status: criteria provided, single submitter. Criteria: Invitae Variant Classification Sherloc (09022015). Collection method: clinical testing. Allele origin: germline.
Comment: Disruption of the initiator codon has been observed in individuals affected with achromatopsia (PMID: 28795510). In at least one individual the data is consistent with the variant being in trans (on the opposite chromosome) from a pathogenic variant. This variant is not present in population databases (ExAC no frequency). This sequence change affects the initiator methionine of the CNGB3 mRNA. The next in-frame methionine is located at codon 104. In summary, the currently available evidence indicates that the variant is pathogenic, but additional data are needed to prove that conclusively. Therefore, this variant has been classified as Likely Pathogenic.

Literature cited by the submitters: PubMed 28795510.

NM_019098.5(CNGB3):c.2T>A (p.Met1Lys)

Gene: CNGB3 (cyclic nucleotide gated channel subunit beta 3; minus strand). Cytogenetic location: 8q21.3.
Variant type: single nucleotide variant.
Coding change: c.2T>A on transcript NM_019098.5 (MANE Select); coding-DNA position 2, T replaced by A.
Protein change: p.Met1Lys; changes the start codon (methionine 1).
Molecular consequence: missense variant, initiator codon variant.
Genome position (GRCh38, 1-based): chr8:86,743,626, A>T on the plus strand (T>A on the coding strand, the complement: CNGB3 is on the minus strand). VCF-style: chr8-86743626-A-T. GRCh37 (hg19) VCF-style: chr8-87755854-A-T.
Other names: short protein forms M1K.
Identifiers: ClinVar variation 959071 (VCV000959071.10), dbSNP rs1554619514, ClinGen allele CA371452945.